The following is an entry in ClinVar:

ClinVar aggregate classification (germline): Uncertain significance (1 of 4 stars; one submission).

Allele frequency attached by ClinVar (database versions not stated): gnomAD 0.00002.
gnomAD v4.1: 7 of 1,609,368 alleles (0.00043%); highest among the groups gnomAD compares: African/African-American, 0.004%; no homozygotes.

Submission:

Labcorp Genetics (formerly Invitae), Labcorp
Classification: Uncertain significance. Last evaluated: 2022-06-12. Review status: criteria provided, single submitter. Criteria: Invitae Variant Classification Sherloc (09022015). Collection method: clinical testing. Allele origin: germline.
Comment: This sequence change replaces serine, which is neutral and polar, with cysteine, which is neutral and slightly polar, at codon 313 of the HPS4 protein (p.Ser313Cys). This variant is present in population databases (no rsID available, gnomAD 0.01%). This variant has not been reported in the literature in individuals affected with HPS4-related conditions. Algorithms developed to predict the effect of missense changes on protein structure and function output the following: SIFT: "Tolerated"; PolyPhen-2: "Benign"; Align-GVGD: "Class C0". The cysteine amino acid residue is found in multiple mammalian species, which suggests that this missense change does not adversely affect protein function. In summary, the available evidence is currently insufficient to determine the role of this variant in disease. Therefore, it has been classified as a Variant of Uncertain Significance.

NM_022081.6(HPS4):c.938C>G (p.Ser313Cys)

Gene: HPS4 (HPS4 biogenesis of lysosomal organelles complex 3 subunit 2; minus strand). Cytogenetic location: 22q12.1.
Variant type: single nucleotide variant.
Coding change: c.938C>G on transcript NM_022081.6 (MANE Select); coding-DNA position 938, C replaced by G.
Protein change: p.Ser313Cys; replaces serine 313 with cysteine.
Molecular consequence: missense variant. On other transcripts: non-coding transcript variant (8).
Genome position (GRCh38, 1-based): chr22:26,464,692, G>C on the plus strand (C>G on the coding strand, the complement: HPS4 is on the minus strand). VCF-style: chr22-26464692-G-C. GRCh37 (hg19) VCF-style: chr22-26860658-G-C.
Other names: c.938C>G, p.Ser313Cys (NM_001349896.1, NM_001349898.2, NM_001349899.2 and 5 more transcripts); c.992C>G, p.Ser331Cys (NM_001349900.2, NM_001349901.1); c.923C>G, p.Ser308Cys (NM_152841.2); short protein forms S313C, S308C, S331C.
Identifiers: ClinVar variation 2200018 (VCV002200018.1), dbSNP rs778237328, ClinGen allele CA322845936.